The following is an entry in ClinVar:

NM_130837.3(OPA1):c.1352T>G (p.Leu451Arg)

Gene: OPA1 (OPA1 mitochondrial dynamin like GTPase; plus strand). Cytogenetic location: 3q29.
Variant type: single nucleotide variant.
Coding change: c.1352T>G on transcript NM_130837.3 (MANE Select); coding-DNA position 1352, T replaced by G.
Protein change: p.Leu451Arg; replaces leucine 451 with arginine.
Molecular consequence: missense variant.
Genome position (GRCh38, 1-based): chr3:193,643,419, T>G. VCF-style: chr3-193643419-T-G. GRCh37 (hg19) VCF-style: chr3-193361208-T-G.
Other names: c.818T>G, p.Leu273Arg (NM_001354663.2); c.815T>G, p.Leu272Arg (NM_001354664.2); c.1187T>G, p.Leu396Arg (NM_015560.3); c.1079T>G, p.Leu360Arg (NM_130831.3); c.1133T>G, p.Leu378Arg (NM_130832.3); c.1190T>G, p.Leu397Arg (NM_130833.3); c.1241T>G, p.Leu414Arg (NM_130834.3); c.1244T>G, p.Leu415Arg (NM_130835.3); and 2 more; short protein forms L451R, L272R, L378R, L414R, L273R, L397R, L415R, L360R.
Identifiers: ClinVar variation 167403 (VCV000167403.14), dbSNP rs727504060, ClinGen allele CA273352.

ClinVar aggregate classification (germline): Pathogenic. Review status: criteria provided, multiple submitters, no conflicts (2 of 4 stars). 5 submissions from 5 submitters: Pathogenic (4). 1 of the submissions does not count toward it. Last evaluated 2025-05-19.

Conditions:
Optic atrophy. Identifiers: MedGen C0029124, MONDO:0003608, HP:0000648.

Submissions (5):

Athena Diagnostics
Classification: Pathogenic. Last evaluated: 2025-05-19. Review status: criteria provided, single submitter. Criteria: Athena Diagnostics Criteria. Collection method: clinical testing. Allele origin: unknown.
Comment: This variant has not been reported in large, multi-ethnic general populations. This variant has been identified in multiple unrelated individuals with optic atrophy. Computational tools yielded predictions that this variant may result in the gain of a cryptic splice site without affecting the natural splice sites. Polyphen and MutationTaster predict this amino acid change may be damaging to the protein. The variant is located in a region that is considered important for protein function and/or structure.

Labcorp Genetics (formerly Invitae), Labcorp
Classification: Pathogenic. Last evaluated: 2025-01-27. Review status: criteria provided, single submitter. Criteria: Invitae Variant Classification Sherloc (09022015). Collection method: clinical testing. Allele origin: germline.
Comment: This sequence change replaces leucine, which is neutral and non-polar, with arginine, which is basic and polar, at codon 396 of the OPA1 protein (p.Leu396Arg). This variant is not present in population databases (gnomAD no frequency). This missense change has been observed in individuals with OPA1-related conditions (PMID: 12036970, 25205859, 29350691, 32855858). It has also been observed to segregate with disease in related individuals. This variant is also known as T1188G or c.1352T>G (p.Leu451Arg). ClinVar contains an entry for this variant (Variation ID: 167403). Invitae Evidence Modeling of protein sequence and biophysical properties (such as structural, functional, and spatial information, amino acid conservation, physicochemical variation, residue mobility, and thermodynamic stability) indicates that this missense variant is expected to disrupt OPA1 protein function with a positive predictive value of 80%. For these reasons, this variant has been classified as Pathogenic.

Institute of Medical Genetics and Applied Genomics, University Hospital Tübingen
Classification: Pathogenic. Last evaluated: 2021-06-17. Review status: criteria provided, single submitter. Criteria: ACMG Guidelines, 2015. Collection method: clinical testing. Allele origin: germline. Inheritance: Autosomal dominant inheritance. Affected: yes.

Eurofins Ntd Llc (ga)
Classification: Pathogenic. Last evaluated: 2014-04-29. Review status: criteria provided, single submitter. Criteria: EGL Classification Definitions 2015. Collection method: clinical testing. Allele origin: germline. Observed: 1 variant allele, 1 heterozygote.

Institute of Human Genetics, Univ. Regensburg, Univ. Regensburg
Classification: Likely pathogenic for Optic atrophy. Last evaluated: 2022-01-01. Review status: no assertion criteria provided. Criteria: ACMG Guidelines, 2015. Collection method: clinical testing. Allele origin: germline. Affected: yes. Not counted in ClinVar's aggregate classification.

Literature cited by the submitters: PubMed 12036970 (cited by 3 submitters); PubMed 36729443 (cited by Athena Diagnostics); PubMed 32855858 (cited by Athena Diagnostics and Labcorp Genetics (formerly Invitae), Labcorp); PubMed 38219857 (cited by Athena Diagnostics); PubMed 37734845 (cited by Athena Diagnostics); PubMed 29350691 (cited by Athena Diagnostics and Labcorp Genetics (formerly Invitae), Labcorp); PubMed 25205859 (cited by Athena Diagnostics and Labcorp Genetics (formerly Invitae), Labcorp); PubMed 17306754 (cited by Athena Diagnostics and Eurofins Ntd Llc (ga)); PubMed 28125838 (cited by Athena Diagnostics); PubMed 28081242 (cited by Athena Diagnostics); PubMed 39462066 (cited by Athena Diagnostics); PubMed 15781809 (cited by Athena Diagnostics).